The following is an entry in ClinVar:

ClinVar aggregate classification (germline): Uncertain significance (1 of 4 stars; one submission).

Conditions:
Multiple congenital anomalies-hypotonia-seizures syndrome 2 (MCAHS2). Also called: EPILEPTIC ENCEPHALOPATHY, EARLY INFANTILE, 20; GLYCOSYLPHOSPHATIDYLINOSITOL BIOSYNTHESIS DEFECT 4. Identifiers: Orphanet 300496, MedGen C3275508, MONDO:0010466, OMIM 300868.

Submission:

Labcorp Genetics (formerly Invitae), Labcorp
Classification: Uncertain significance for Multiple congenital anomalies-hypotonia-seizures syndrome 2. Last evaluated: 2022-11-17. Review status: criteria provided, single submitter. Criteria: Invitae Variant Classification Sherloc (09022015). Collection method: clinical testing. Allele origin: germline.
Comment: In summary, the available evidence is currently insufficient to determine the role of this variant in disease. Therefore, it has been classified as a Variant of Uncertain Significance. Algorithms developed to predict the effect of sequence changes on RNA splicing suggest that this variant may disrupt the consensus splice site. Advanced modeling of protein sequence and biophysical properties (such as structural, functional, and spatial information, amino acid conservation, physicochemical variation, residue mobility, and thermodynamic stability) performed at Invitae indicates that this missense variant is expected to disrupt PIGA protein function. This variant has not been reported in the literature in individuals affected with PIGA-related conditions. This variant is not present in population databases (gnomAD no frequency). This sequence change replaces arginine, which is basic and polar, with serine, which is neutral and polar, at codon 114 of the PIGA protein (p.Arg114Ser).

NM_002641.4(PIGA):c.342G>C (p.Arg114Ser)

Gene: PIGA (phosphatidylinositol glycan anchor biosynthesis class A; minus strand). Cytogenetic location: Xp22.2.
Variant type: single nucleotide variant.
Coding change: c.342G>C on transcript NM_002641.4 (MANE Select); coding-DNA position 342, G replaced by C.
Protein change: p.Arg114Ser; replaces arginine 114 with serine.
Molecular consequence: missense variant. On other transcripts: intron variant (1).
Genome position (GRCh38, 1-based): chrX:15,331,589, C>G on the plus strand (G>C on the coding strand, the complement: PIGA is on the minus strand). VCF-style: chrX-15331589-C-G. GRCh37 (hg19) VCF-style: chrX-15349711-C-G.
Other names: c.13+3912G>C (NM_020473.3); short protein forms R114S.
Identifiers: ClinVar variation 2814878 (VCV002814878.3), dbSNP rs1569180012, ClinGen allele CA412340433.